The following is an entry in ClinVar:

NM_000237.3(LPL):c.1164C>A (p.Thr388=)

Gene: LPL (lipoprotein lipase; plus strand). Cytogenetic location: 8p21.3.
Variant type: single nucleotide variant.
Coding change: c.1164C>A on transcript NM_000237.3 (MANE Select); coding-DNA position 1164, C replaced by A.
Protein change: p.Thr388=; no amino-acid change (threonine 388 retained).
Molecular consequence: synonymous variant.
Genome position (GRCh38, 1-based): chr8:19,960,925, C>A. VCF-style: chr8-19960925-C-A. GRCh37 (hg19) VCF-style: chr8-19818436-C-A.
Other names: p.Thr388=.
Identifiers: ClinVar variation 362413 (VCV000362413.23), dbSNP rs316, ClinGen allele CA4655661.

ClinVar aggregate classification (germline): Benign/Likely benign. Review status: criteria provided, multiple submitters, no conflicts (2 of 4 stars). 9 submissions from 9 submitters: Benign (7); Likely benign (1). 1 of the submissions does not count toward it. Last evaluated 2026-02-04.

Conditions:
Hyperlipoproteinemia, type I. Also called: LPL DEFICIENCY; Familial Lipoprotein Lipase Deficiency; HYPERLIPOPROTEINEMIA, TYPE IA; Familial hyperlipo-proteinemia type 1; Hyperlipemia essential familial; Lipase D deficiency. Identifiers: Orphanet 309015, Orphanet 444490, MedGen C0023817, MONDO:0009387, OMIM 238600. Disease mechanism: loss of function.
Cardiovascular phenotype. Identifiers: MedGen CN230736.

Allele frequency attached by ClinVar (database versions not stated): gnomAD exomes 0.12683; 1000 Genomes Project 0.15256; 1000 Genomes Project 30x 0.15522; TOPMed 0.15714; ESP Exome Variant Server 0.15862; gnomAD 0.15994.
gnomAD v4.1: 209,269 of 1,612,340 alleles (13%); highest among the groups gnomAD compares: African/African-American, 22%; 14,307 homozygotes.

Submissions (9):

Labcorp Genetics (formerly Invitae), Labcorp
Classification: Benign. Last evaluated: 2026-02-04. Review status: criteria provided, single submitter. Criteria: Invitae Variant Classification Sherloc (09022015). Collection method: clinical testing. Allele origin: germline.

Blueprint Genetics
Classification: Likely benign. Last evaluated: 2024-11-27. Review status: criteria provided, single submitter. Criteria: ACMG Guidelines, 2015. Collection method: clinical testing. Allele origin: germline.

Mayo Clinic Laboratories, Mayo Clinic
Classification: Benign. Last evaluated: 2024-03-28. Review status: criteria provided, single submitter. Criteria: ACMG Guidelines, 2015. Collection method: clinical testing. Allele origin: germline. Observed: 163 variant alleles.
Comment: BA1

Women's Health and Genetics/Laboratory Corporation of America, LabCorp
Classification: Benign. Last evaluated: 2023-04-09. Review status: criteria provided, single submitter. Criteria: LabCorp Variant Classification Summary - May 2015. Collection method: clinical testing. Allele origin: germline.

Ambry Genetics
Classification: Benign for Cardiovascular phenotype. Last evaluated: 2018-12-03. Review status: criteria provided, single submitter. Criteria: Ambry Variant Classification Scheme 2023. Collection method: clinical testing. Allele origin: germline.

GeneDx
Classification: Benign. Last evaluated: 2018-08-30. Review status: criteria provided, single submitter. Criteria: GeneDx Variant Classification Process June 2021. Collection method: clinical testing. Allele origin: germline. Affected: yes.

Illumina Laboratory Services, Illumina
Classification: Benign for Hyperlipoproteinemia, type I. Last evaluated: 2018-01-13. Review status: criteria provided, single submitter. Criteria: ICSL Variant Classification Criteria 13 December 2019. Collection method: clinical testing. Allele origin: germline.
Comment: This variant was observed in the ICSL laboratory as part of a predisposition screen in an ostensibly healthy population. It had not been previously curated by ICSL or reported in the Human Gene Mutation Database (HGMD: prior to June 1st, 2018), and was therefore a candidate for classification through an automated scoring system. Utilizing variant allele frequency, disease prevalence and penetrance estimates, and inheritance mode, an automated score was calculated to assess if this variant is too frequent to cause the disease. Based on the score and internal cut-off values, a variant classified as benign is not then subjected to further curation. The score for this variant resulted in a classification of benign for this disease.

Breakthrough Genomics
Classification: Benign. Review status: criteria provided, single submitter. Criteria: ACMG Guidelines, 2015. Collection method: not provided. Allele origin: germline. Inheritance: Autosomal recessive inheritance. Affected: yes.

Natera, Inc.
Classification: Benign for Lipoprotein lipase deficiency. Last evaluated: 2019-11-20. Review status: no assertion criteria provided. Collection method: clinical testing. Allele origin: germline. Not counted in ClinVar's aggregate classification.

Literature cited by the submitters: PubMed 36325899 (cited by Mayo Clinic Laboratories, Mayo Clinic).